The following is an entry in ClinVar:

NM_033380.3(COL4A5):c.124G>A (p.Gly42Ser)

Gene: COL4A5 (collagen type IV alpha 5 chain; plus strand). Cytogenetic location: Xq22.3.
Variant type: single nucleotide variant.
Coding change: c.124G>A on transcript NM_033380.3 (MANE Select); coding-DNA position 124, G replaced by A.
Protein change: p.Gly42Ser; replaces glycine 42 with serine.
Molecular consequence: missense variant.
Genome position (GRCh38, 1-based): chrX:108,539,788, G>A. VCF-style: chrX-108539788-G-A. GRCh37 (hg19) VCF-style: chrX-107783018-G-A.
Other names: c.124G>A, p.Gly42Ser (NM_000495.5); short protein forms G42S.
Identifiers: ClinVar variation 1662824 (VCV001662824.13), dbSNP rs371351149, ClinGen allele CA334174303.

ClinVar aggregate classification (germline): Conflicting classifications of pathogenicity. Review status: criteria provided, conflicting classifications (1 of 4 stars). 4 submissions from 4 submitters: Uncertain significance (3); Likely benign (1). Last evaluated 2026-01-28.

Conditions:
X-linked Alport syndrome (ATS1). Also called: NEPHROPATHY AND DEAFNESS, X-LINKED; COL4A5-Related Nephropathy. Identifiers: Orphanet 63, Orphanet 88917, MedGen C4746986, MONDO:0010520, OMIM 301050.

Allele frequency attached by ClinVar (database versions not stated): ESP Exome Variant Server 0.00009; gnomAD 0.00002; TOPMed 0.00003.
gnomAD v4.1: 3 of 1,205,032 alleles (0.00025%); highest among the groups gnomAD compares: Admixed American, 0.0022%; no homozygotes.

Submissions (4):

Labcorp Genetics (formerly Invitae), Labcorp
Classification: Likely benign. Last evaluated: 2026-01-28. Review status: criteria provided, single submitter. Criteria: Invitae Variant Classification Sherloc (09022015). Collection method: clinical testing. Allele origin: germline.

Dasa
Classification: Uncertain significance. Last evaluated: 2025-04-19. Review status: criteria provided, single submitter. Criteria: DASA Assertion Criteria. Collection method: clinical testing. Allele origin: germline.
Comment: NM_033380.3(COL4A5):c.124G>A (p.Gly42Ser) is a missense variant that results in the substitution of glycine with serine. This variant is rare in population databases. The currently available literature and clinical evidence are not sufficient to establish a definitive association between this variant and the reported condition. Therefore, this variant is classified as a variant of uncertain significance.

Fulgent Genetics
Classification: Uncertain significance for X-linked Alport syndrome. Last evaluated: 2024-05-23. Review status: criteria provided, single submitter. Criteria: ACMG Guidelines, 2015. Collection method: clinical testing. Allele origin: germline.

Women's Health and Genetics/Laboratory Corporation of America, LabCorp
Classification: Uncertain significance. Last evaluated: 2024-03-28. Review status: criteria provided, single submitter. Criteria: LabCorp Variant Classification Summary - May 2015. Collection method: clinical testing. Allele origin: germline.
Comment: Variant summary: COL4A5 c.124G>A (p.Gly42Ser) results in a non-conservative amino acid change in the encoded protein sequence. Three of five in-silico tools predict a damaging effect of the variant on protein function. The variant allele was found at a frequency of 4.6e-05 in 21780 control chromosomes, including 1 hemizygote. The available data on variant occurrences in the general population are insufficient to allow any conclusion about variant significance. To our knowledge, no occurrence of c.124G>A in individuals affected with Alport Syndrome 1, X-Linked Recessive and no experimental evidence demonstrating its impact on protein function have been reported. ClinVar contains an entry for this variant (Variation ID: 1662824). Based on the evidence outlined above, the variant was classified as uncertain significance.